The following is an entry in ClinVar:

ClinVar aggregate classification (germline): Likely benign (1 of 4 stars; one submission).

Submission:

CeGaT Center for Human Genetics Tuebingen
Classification: Likely benign. Last evaluated: 2026-02-01. Review status: criteria provided, single submitter. Criteria: CeGaT Center For Human Genetics Tuebingen Variant Classification Criteria Version 2. Collection method: clinical testing. Allele origin: germline. Affected: yes. Observed: 1 variant allele.
Comment: TTN: PM2:Supporting, BP4, BP7

NM_001267550.2(TTN):c.39180T>A (p.Pro13060=)

Gene: TTN (titin; minus strand). Cytogenetic location: 2q31.2.
Variant type: single nucleotide variant.
Coding change: c.39180T>A on transcript NM_001267550.2 (MANE Select); coding-DNA position 39180, T replaced by A.
Protein change: p.Pro13060=; no amino-acid change (proline 13060 retained).
Molecular consequence: synonymous variant. On other transcripts: intron variant (3).
Genome position (GRCh38, 1-based): chr2:178,652,295, A>T on the plus strand (T>A on the coding strand, the complement: TTN is on the minus strand). VCF-style: chr2-178652295-A-T. GRCh37 (hg19) VCF-style: chr2-179517022-A-T.
Other names: c.34659T>A, p.Pro11553= (NM_001256850.1); c.31878T>A, p.Pro10626= (NM_133378.4); c.13283-9978T>A (NM_003319.4); c.13859-9978T>A (NM_133437.4); c.13658-9978T>A (NM_133432.3).
Identifiers: ClinVar variation 4823212 (VCV004823212.4).